The following is an entry in ClinVar:

NM_000214.3(JAG1):c.51G>A (p.Leu17=)

Gene: JAG1 (jagged canonical Notch ligand 1; minus strand). Cytogenetic location: 20p12.2.
Variant type: single nucleotide variant.
Coding change: c.51G>A on transcript NM_000214.3 (MANE Select); coding-DNA position 51, G replaced by A.
Protein change: p.Leu17=; no amino-acid change (leucine 17 retained).
Molecular consequence: synonymous variant.
Genome position (GRCh38, 1-based): chr20:10,673,480, C>T on the plus strand (G>A on the coding strand, the complement: JAG1 is on the minus strand). VCF-style: chr20-10673480-C-T. GRCh37 (hg19) VCF-style: chr20-10654128-C-T.
Other names: c.51G>A, p.Leu17= (LRG_1191t1).
Identifiers: ClinVar variation 513402 (VCV000513402.6), dbSNP rs1018632242, ClinGen allele CA311357560.

ClinVar aggregate classification (germline): Likely benign. Review status: criteria provided, multiple submitters, no conflicts (2 of 4 stars). 5 submissions from 5 submitters: Likely benign (5). Last evaluated 2024-11-17.

Conditions:
JAG1-related disorder. Also called: JAG1-related condition; JAG1-related disorders.
Cardiovascular phenotype. Identifiers: MedGen CN230736.

Allele frequency attached by ClinVar (database versions not stated): TOPMed 0.00005.
gnomAD v4.1: 18 of 1,363,790 alleles (0.0013%); highest among the groups gnomAD compares: Non-Finnish European, 0.0017%; no homozygotes.

Submissions (5):

PreventionGenetics, part of Exact Sciences
Classification: Likely benign for JAG1-related condition. Last evaluated: 2024-11-17. Review status: criteria provided, single submitter. Criteria: ACMG Guidelines, 2015. Collection method: clinical testing. Allele origin: germline.
Comment: This variant is classified as likely benign based on ACMG/AMP sequence variant interpretation guidelines (Richards et al. 2015 PMID: 25741868, with internal and published modifications).

Blueprint Genetics
Classification: Likely benign. Last evaluated: 2022-11-16. Review status: criteria provided, single submitter. Criteria: ACMG Guidelines, 2015. Collection method: clinical testing. Allele origin: germline.

Ambry Genetics
Classification: Likely benign for Cardiovascular phenotype. Last evaluated: 2020-02-11. Review status: criteria provided, single submitter. Criteria: Ambry Variant Classification Scheme 2023. Collection method: clinical testing. Allele origin: germline.

GeneDx
Classification: Likely benign. Last evaluated: 2017-11-28. Review status: criteria provided, single submitter. Criteria: GeneDx Variant Classification (06012015). Collection method: clinical testing. Allele origin: germline. Affected: yes.
Comment: This variant is considered likely benign or benign based on one or more of the following criteria: it is a conservative change, it occurs at a poorly conserved position in the protein, it is predicted to be benign by multiple in silico algorithms, and/or has population frequency not consistent with disease.

Breakthrough Genomics
Classification: Likely benign. Review status: criteria provided, single submitter. Criteria: ACMG Guidelines, 2015. Collection method: not provided. Allele origin: germline. Inheritance: Autosomal dominant inheritance. Affected: yes.